The following is an entry in ClinVar:

ClinVar aggregate classification (germline): Likely benign. Review status: reviewed by expert panel (3 of 4 stars). 4 submissions from 4 submitters: Likely benign (1). 3 of the submissions do not count toward it. Last evaluated 2017-06-29.

Conditions:
Hereditary cancer-predisposing syndrome. Also called: Tumor predisposition; Hereditary Cancer Syndrome; Hereditary neoplastic syndrome; Neoplastic Syndromes, Hereditary. Identifiers: Orphanet 140162, MedGen C0027672, MeSH D009386, MONDO:0015356.
Hereditary breast ovarian cancer syndrome. Also called: Breast and ovarian cancer; Hereditary breast and ovarian cancer syndrome; Hereditary breast and ovarian cancer; BRCA1- and BRCA2-Associated Hereditary Breast and Ovarian Cancer; Hereditary breast and ovarian cancer syndrome (HBOC); Hereditary breast and/or ovarian cancer syndrome. Identifiers: Orphanet 145, MedGen C0677776, MeSH D061325, MONDO:0003582. Disease mechanism: loss of function.
Breast-ovarian cancer, familial, susceptibility to, 2 (BROVCA2). Also called: BRCA2 Hereditary Breast and Ovarian Cancer. Identifiers: Orphanet 145, MedGen C2675520, MONDO:0012933, OMIM 612555. Disease mechanism: loss of function.

gnomAD v4.1: 8 of 1,614,104 alleles (0.0005%); highest among the groups gnomAD compares: South Asian, 0.0088%; no homozygotes.

Submissions (4):

Evidence-based Network for the Interpretation of Germline Mutant Alleles (ENIGMA)
Classification: Likely benign for Breast-ovarian cancer, familial, susceptibility to, 2. Last evaluated: 2017-06-29. Review status: reviewed by expert panel. Criteria: ENIGMA BRCA1/2 Classification Criteria (2017-06-29). Collection method: curation. Allele origin: germline.
Comment: Synonymous substitution variant, with low bioinformatic likelihood to result in a splicing aberration (Splicing prior probability 0.02).

Labcorp Genetics (formerly Invitae), Labcorp
Classification: Likely benign for Hereditary breast ovarian cancer syndrome. Last evaluated: 2025-09-08. Review status: criteria provided, single submitter. Criteria: Invitae Variant Classification Sherloc (09022015). Collection method: clinical testing. Allele origin: germline. Not counted in ClinVar's aggregate classification.

Ambry Genetics
Classification: Likely benign for Hereditary cancer-predisposing syndrome. Last evaluated: 2019-10-25. Review status: criteria provided, single submitter. Criteria: Ambry Variant Classification Scheme 2023. Collection method: clinical testing. Allele origin: germline. Not counted in ClinVar's aggregate classification.

Color Diagnostics, LLC DBA Color Health
Classification: Likely benign for Hereditary cancer-predisposing syndrome. Last evaluated: 2018-01-19. Review status: criteria provided, single submitter. Criteria: ACMG Guidelines, 2015. Collection method: clinical testing. Allele origin: germline. Not counted in ClinVar's aggregate classification.

NM_000059.4(BRCA2):c.2274T>C (p.Ser758=)

Gene: BRCA2 (BRCA2 DNA repair associated; plus strand). Cytogenetic location: 13q13.1.
Variant type: single nucleotide variant.
Coding change: c.2274T>C on transcript NM_000059.4 (MANE Select); coding-DNA position 2274, T replaced by C.
Protein change: p.Ser758=; no amino-acid change (serine 758 retained).
Molecular consequence: synonymous variant.
Genome position (GRCh38, 1-based): chr13:32,336,629, T>C. VCF-style: chr13-32336629-T-C. GRCh37 (hg19) VCF-style: chr13-32910766-T-C.
Identifiers: ClinVar variation 184404 (VCV000184404.18), dbSNP rs142243359, ClinGen allele CA014821.
Genomic context (GRCh38, chr13:32,336,629, plus strand): 5'-TCACCCAGTACAACATTCAAAAGTGGAATACAGTGATACTGACTTTCAATCCCAGAAAAG[T>C]CTTTTATATGATCATGAAAATGCCAGCACTCTTATTTTAACTCCTACTTCCAAGGATGTT-3'
Protein context (NP_000050.3, residues 748-768): YSDTDFQSQK[Ser758=]LLYDHENAST